The following is an entry in ClinVar:

NM_000283.4(PDE6B):c.283_285del (p.Phe95del)

Gene: PDE6B (phosphodiesterase 6B; plus strand). Cytogenetic location: 4p16.3.
Variant type: Deletion.
Coding change: c.283_285del on transcript NM_000283.4 (MANE Select); coding-DNA positions 283 to 285, 3 bases deleted (TTC; older notation c.283_285delTTC).
Protein change: p.Phe95del; deletes phenylalanine 95.
Molecular consequence: inframe deletion.
Genome position (GRCh38, 1-based): chr4:625,909-625,911, TTC deleted; deleting any 3 consecutive bases within chr4:625,907-625,911 gives the same sequence; the c. name uses the placement nearest the transcript's 3' end. VCF-style (leftmost placement, unchanged base first): chr4-625906-CTCT-C. GRCh37 (hg19) VCF-style: chr4-619695-CTCT-C.
Other names: c.283_285del, p.Phe95del (NM_001145291.2, NM_001440547.1, NM_001440548.1); short protein forms F95del.
Identifiers: ClinVar variation 4854842 (VCV004854842.2).

ClinVar aggregate classification (germline): Uncertain significance. Review status: criteria provided, multiple submitters, no conflicts (2 of 4 stars). 2 submissions from 2 submitters: Uncertain significance (2). Last evaluated 2026-01-23.

Conditions:
Retinitis pigmentosa 40 (RP40). Identifiers: Orphanet 791, MedGen C3151107, MONDO:0013429, OMIM 613801.

Submissions (2):

3billion
Classification: Uncertain significance for Retinitis pigmentosa 40. Last evaluated: 2026-01-23. Review status: criteria provided, single submitter. Criteria: ACMG Guidelines, 2015. Collection method: clinical testing. Allele origin: germline. Affected: yes.
Comment: The variant is observed at an extremely low frequency in the gnomAD v4.1.0 dataset (total allele frequency: <0.001%). Predicted Consequence/Location: Inframe deletion located in a nonrepeat region: predicted to change the length of the protein and disrupt normal protein function. Therefore, this variant is classified as VUS according to the recommendation of ACMG/AMP guideline.

Blueprint Genetics
Classification: Uncertain significance. Last evaluated: 2021-08-25. Review status: criteria provided, single submitter. Criteria: ACMG Guidelines, 2015. Collection method: clinical testing. Allele origin: germline.